The following is an entry in ClinVar:

NM_014000.3(VCL):c.120C>A (p.Leu40=)

Genes: VCL (vinculin; plus strand), LOC130004109 (ATAC-STARR-seq lymphoblastoid active region 3587; plus strand). Cytogenetic location: 10q22.2.
Variant type: single nucleotide variant.
Coding change: c.120C>A on transcript NM_014000.3 (MANE Select); coding-DNA position 120, C replaced by A.
Protein change: p.Leu40=; no amino-acid change (leucine 40 retained).
Molecular consequence: synonymous variant.
Genome position (GRCh38, 1-based): chr10:73,998,327, C>A. VCF-style: chr10-73998327-C-A. GRCh37 (hg19) VCF-style: chr10-75758085-C-A.
Other names: c.120C>A, p.Leu40= (NM_003373.4).
Identifiers: ClinVar variation 1704564 (VCV001704564.1), dbSNP rs144080529, ClinGen allele CA470163727.

ClinVar aggregate classification (germline): Likely benign (1 of 4 stars; one submission).

gnomAD v4.1: 2 of 1,568,018 alleles (0.00013%); highest among the groups gnomAD compares: Admixed American, 0.0037%; no homozygotes.

Submission:

Women's Health and Genetics/Laboratory Corporation of America, LabCorp
Classification: Likely benign. Last evaluated: 2022-07-11. Review status: criteria provided, single submitter. Criteria: LabCorp Variant Classification Summary - May 2015. Collection method: clinical testing. Allele origin: germline.
Comment: Variant summary: VCL c.120C>A alters a conserved nucleotide resulting in a synonymous change. 4/4 computational tools predict no significant impact on normal splicing. However, these predictions have yet to be confirmed by functional studies. The variant allele was found at a frequency of 5.8e-06 in 173486 control chromosomes. The available data on variant occurrences in the general population are insufficient to allow any conclusion about variant significance. To our knowledge, no occurrence of c.120C>A in individuals affected with Cardiomyopathy and no experimental evidence demonstrating its impact on protein function have been reported. No clinical diagnostic laboratories have submitted clinical-significance assessments for this variant to ClinVar after 2014. Based on the evidence outlined above, the variant was classified as likely benign.